The following is an entry in ClinVar:

NM_016035.5(COQ4):c.28C>T (p.Arg10Cys)

Gene: COQ4 (coenzyme Q4; plus strand). Cytogenetic location: 9q34.11.
Variant type: single nucleotide variant.
Coding change: c.28C>T on transcript NM_016035.5 (MANE Select); coding-DNA position 28, C replaced by T.
Protein change: p.Arg10Cys; replaces arginine 10 with cysteine.
Molecular consequence: missense variant.
Genome position (GRCh38, 1-based): chr9:128,322,886, C>T. VCF-style: chr9-128322886-C-T. GRCh37 (hg19) VCF-style: chr9-131085165-C-T.
Other names: c.28C>T, p.Arg10Cys (NM_001305942.2); c.28C>T (NM_016035.3); short protein forms R10C.
Identifiers: ClinVar variation 2014964 (VCV002014964.3), dbSNP rs2539409368, ClinGen allele CA375016973.

ClinVar aggregate classification (germline): Conflicting classifications of pathogenicity. Review status: criteria provided, conflicting classifications (1 of 4 stars). 2 submissions from 2 submitters: Uncertain significance (1); Likely benign (1). Last evaluated 2025-03-17.

Conditions:
Inborn genetic diseases. Identifiers: MedGen C0950123, MeSH D030342.
Neonatal encephalomyopathy-cardiomyopathy-respiratory distress syndrome. Also called: Coenzyme Q10 deficiency, primary, 7. Identifiers: Orphanet 457185, MedGen C5568562, MONDO:0014562, OMIM 616276.

Allele frequency attached by ClinVar (database versions not stated): gnomAD exomes below 0.00001.

Submissions (2):

Ambry Genetics
Classification: Likely benign for Inborn genetic diseases. Last evaluated: 2025-03-17. Review status: criteria provided, single submitter. Criteria: Ambry Variant Classification Scheme 2023. Collection method: clinical testing. Allele origin: germline.

Labcorp Genetics (formerly Invitae), Labcorp
Classification: Uncertain significance for Neonatal encephalomyopathy-cardiomyopathy-respiratory distress syndrome. Last evaluated: 2022-06-13. Review status: criteria provided, single submitter. Criteria: Invitae Variant Classification Sherloc (09022015). Collection method: clinical testing. Allele origin: germline.
Comment: In summary, the available evidence is currently insufficient to determine the role of this variant in disease. Therefore, it has been classified as a Variant of Uncertain Significance. Algorithms developed to predict the effect of missense changes on protein structure and function are either unavailable or do not agree on the potential impact of this missense change (SIFT: "Deleterious"; PolyPhen-2: "Benign"; Align-GVGD: "Class C0"). This variant has not been reported in the literature in individuals affected with COQ4-related conditions. This variant is not present in population databases (gnomAD no frequency). This sequence change replaces arginine, which is basic and polar, with cysteine, which is neutral and slightly polar, at codon 10 of the COQ4 protein (p.Arg10Cys).